The following is an entry in ClinVar:

ClinVar aggregate classification (germline): Benign/Likely benign. Review status: criteria provided, multiple submitters, no conflicts (2 of 4 stars). 4 submissions from 4 submitters: Benign (2); Likely benign (1). 1 of the submissions does not count toward it. Last evaluated 2026-01-05.

Conditions:
SAMD11-related disorder. Also called: SAMD11-related condition.

Allele frequency attached by ClinVar (database versions not stated): ExAC 0.00070; ESP Exome Variant Server 0.00080; 1000 Genomes Project 0.00140; 1000 Genomes Project 30x 0.00156.
gnomAD v4.1: 278 of 1,555,616 alleles (0.018%); highest among the groups gnomAD compares: African/African-American, 0.36%; no homozygotes.

Submissions (4):

Labcorp Genetics (formerly Invitae), Labcorp
Classification: Benign. Last evaluated: 2026-01-05. Review status: criteria provided, single submitter. Criteria: Invitae Variant Classification Sherloc (09022015). Collection method: clinical testing. Allele origin: germline.

Blueprint Genetics
Classification: Likely benign. Last evaluated: 2024-09-09. Review status: criteria provided, single submitter. Criteria: ACMG Guidelines, 2015. Collection method: clinical testing. Allele origin: germline.

Breakthrough Genomics
Classification: Benign. Review status: criteria provided, single submitter. Criteria: ACMG Guidelines, 2015. Collection method: not provided. Allele origin: germline. Inheritance: Unknown mechanism. Affected: yes.

PreventionGenetics, part of Exact Sciences
Classification: Likely benign for SAMD11-related condition. Last evaluated: 2019-08-13. Review status: no assertion criteria provided. Collection method: clinical testing. Allele origin: germline. Not counted in ClinVar's aggregate classification.
Comment: This variant is classified as likely benign based on ACMG/AMP sequence variant interpretation guidelines (Richards et al. 2015 PMID: 25741868, with internal and published modifications).

NM_001385641.1(SAMD11):c.1911C>G (p.Pro637=)

Gene: SAMD11 (sterile alpha motif domain containing 11; plus strand). Cytogenetic location: 1p36.33.
Variant type: single nucleotide variant.
Coding change: c.1911C>G on transcript NM_001385641.1 (MANE Select); coding-DNA position 1911, C replaced by G.
Protein change: p.Pro637=; no amino-acid change (proline 637 retained).
Molecular consequence: synonymous variant.
Genome position (GRCh38, 1-based): chr1:942,916, C>G. VCF-style: chr1-942916-C-G. GRCh37 (hg19) VCF-style: chr1-878296-C-G.
Other names: c.1914C>G, p.Pro638= (NM_001385640.1); c.1422C>G, p.Pro474= (NM_152486.4); c.1422C>G (NM_152486.2).
Identifiers: ClinVar variation 1167525 (VCV001167525.12), dbSNP rs72902601, ClinGen allele CA503019.